The following is an entry in ClinVar:

ClinVar aggregate classification (germline): Uncertain significance (1 of 4 stars; one submission).

Allele frequency attached by ClinVar (database versions not stated): gnomAD exomes below 0.00001; ExAC 0.00001.

Submission:

Labcorp Genetics (formerly Invitae), Labcorp
Classification: Uncertain significance. Last evaluated: 2023-04-29. Review status: criteria provided, single submitter. Criteria: Invitae Variant Classification Sherloc (09022015). Collection method: clinical testing. Allele origin: germline.
Comment: This sequence change replaces alanine, which is neutral and non-polar, with valine, which is neutral and non-polar, at codon 180 of the BMP2 protein (p.Ala180Val). This variant is present in population databases (rs775969696, gnomAD 0.0009%). This variant has not been reported in the literature in individuals affected with BMP2-related conditions. ClinVar contains an entry for this variant (Variation ID: 2183444). An algorithm developed to predict the effect of missense changes on protein structure and function (PolyPhen-2) suggests that this variant is likely to be tolerated. In summary, the available evidence is currently insufficient to determine the role of this variant in disease. Therefore, it has been classified as a Variant of Uncertain Significance.

NM_001200.4(BMP2):c.539C>T (p.Ala180Val)

Gene: BMP2 (bone morphogenetic protein 2; plus strand). Cytogenetic location: 20p12.3.
Variant type: single nucleotide variant.
Coding change: c.539C>T on transcript NM_001200.4 (MANE Select); coding-DNA position 539, C replaced by T.
Protein change: p.Ala180Val; replaces alanine 180 with valine.
Molecular consequence: missense variant.
Genome position (GRCh38, 1-based): chr20:6,778,437, C>T. VCF-style: chr20-6778437-C-T. GRCh37 (hg19) VCF-style: chr20-6759084-C-T.
Other names: short protein forms A180V.
Identifiers: ClinVar variation 2183444 (VCV002183444.4), dbSNP rs775969696, ClinGen allele CA9758697.